The following is an entry in ClinVar:

NM_006019.4(TCIRG1):c.2036T>G (p.Leu679Arg)

Gene: TCIRG1 (T cell immune regulator 1, ATPase H+ transporting V0 subunit a3; plus strand). Cytogenetic location: 11q13.2.
Variant type: single nucleotide variant.
Coding change: c.2036T>G on transcript NM_006019.4 (MANE Select); coding-DNA position 2036, T replaced by G.
Protein change: p.Leu679Arg; replaces leucine 679 with arginine.
Molecular consequence: missense variant.
Genome position (GRCh38, 1-based): chr11:68,049,984, T>G. VCF-style: chr11-68049984-T-G. GRCh37 (hg19) VCF-style: chr11-67817451-T-G.
Other names: c.1142T>G, p.Leu381Arg (NM_001351059.2); c.2036T>G, p.Leu679Arg (NM_001440552.1, NM_001440553.1, NM_001440554.1 and 2 more transcripts); c.1994T>G, p.Leu665Arg (NM_001440555.1, NM_001440556.1, NM_001440563.1); c.1823T>G, p.Leu608Arg (NM_001440559.1, NM_001440560.1, NM_001440561.1 and 2 more transcripts); c.1781T>G, p.Leu594Arg (NM_001440564.1); c.1736T>G, p.Leu579Arg (NM_001440565.1); c.1574T>G, p.Leu525Arg (NM_001440567.1); c.1568T>G, p.Leu523Arg (NM_001440568.1); and 2 more; short protein forms L381R, L463R, L579R, L594R, L608R, L665R, L359R, L523R.
Identifiers: ClinVar variation 4780753 (VCV004780753.1).
Genomic context (GRCh38, chr11:68,049,984, plus strand): 5'-GGCTGGAGTGCTGCCAACACTGCCTGCTCATGCCCCAGGAGGAAAACAAGGCCGGGTTGC[T>G]GGACCTGCCTGACGCATCTGTGAATGGCTGGAGCTCCGATGAGGAAAAGGCAGGGGGCCT-3'
Protein context (NP_006010.2, residues 669-689): DRQEENKAGL[Leu679Arg]DLPDASVNGW

ClinVar aggregate classification (germline): Uncertain significance (1 of 4 stars; one submission).

Submission:

Labcorp Genetics (formerly Invitae), Labcorp
Classification: Uncertain significance. Last evaluated: 2025-06-16. Review status: criteria provided, single submitter. Criteria: Invitae Variant Classification Sherloc (09022015). Collection method: clinical testing. Allele origin: germline.
Comment: This sequence change replaces leucine, which is neutral and non-polar, with arginine, which is basic and polar, at codon 679 of the TCIRG1 protein (p.Leu679Arg). This variant is not present in population databases (gnomAD no frequency). This variant has not been reported in the literature in individuals affected with TCIRG1-related conditions. An algorithm developed to predict the effect of missense changes on protein structure and function (PolyPhen-2) suggests that this variant is likely to be disruptive. In summary, the available evidence is currently insufficient to determine the role of this variant in disease. Therefore, it has been classified as a Variant of Uncertain Significance.